The following is an entry in ClinVar:

NM_001127222.2(CACNA1A):c.3990-9_3991dup

Gene: CACNA1A (calcium voltage-gated channel subunit alpha1 A; minus strand). Cytogenetic location: 19p13.13.
Variant type: Duplication.
Coding change: c.3990-9_3991dup on transcript NM_001127222.2 (MANE Select); 9 bases into the intron before coding-DNA position 3990 through coding-DNA position 3991, 11 bases duplicated (CCTCCACAGTG).
Molecular consequence: splice acceptor variant.
Genome position (GRCh38, 1-based): chr19:13,262,832-13,262,842, CACTGTGGAGG duplicated on the plus strand (CCTCCACAGTG on the coding strand, the reverse complement: CACNA1A is on the minus strand). VCF-style (leftmost placement, unchanged base first): chr19-13262831-C-CCACTGTGGAGG. GRCh37 (hg19) VCF-style: chr19-13373645-C-CCACTGTGGAGG.
Other names: c.3993-9_3994dup (NM_001127221.2, NM_001174080.2); c.4002-9_4003dup (NM_000068.4, NM_023035.3).
Identifiers: ClinVar variation 2580996 (VCV002580996.1), dbSNP rs2512763792, ClinGen allele CA2580618171.

ClinVar aggregate classification (germline): Pathogenic (1 of 4 stars; one submission).

Conditions:
Episodic ataxia type 2 (EA2). Also called: ACETAZOLAMIDE-RESPONSIVE HEREDITARY PAROXYSMAL CEREBELLAR ATAXIA; ATAXIA, EPISODIC, WITH NYSTAGMUS; ATAXIA, FAMILIAL PAROXYSMAL; CEREBELLAR ATAXIA, PAROXYSMAL, ACETAZOLAMIDE-RESPONSIVE; CEREBELLOPATHY, HEREDITARY PAROXYSMAL; EPISODIC ATAXIA, NYSTAGMUS-ASSOCIATED. Identifiers: Orphanet 97, MedGen C1720416, MONDO:0007163, OMIM 108500.

Submission:

Dr. med. U. Finckh, Human Genetics, Eurofins MVZ
Classification: Pathogenic for Episodic ataxia type 2. Last evaluated: 2022-03-10. Review status: criteria provided, single submitter. Criteria: ACMG Guidelines, 2015. Collection method: clinical testing. Allele origin: inherited. Affected: yes. Observed: 3 heterozygotes.
Comment: The variant is not present in gnomAD. The duplication of 11 nucleotides is predicted not to shift the affected splice acceptor but to lead to a frameshift starting at codon 1331 with consecutive premature stop signal 43 codons downstream. The variant is expected to result in a non-functional gene product. Pathogenic disruptive variants of CANCA1A have already been reported up- and downstream of this position. We therefore classify it as pathogenic.